The following is an entry in ClinVar:

ClinVar aggregate classification (germline): Pathogenic (1 of 4 stars; one submission).

Conditions:
Jeune thoracic dystrophy. Also called: Short-rib thoracic dysplasia; Jeune syndrome; Infantile thoracic dystrophy; Thoracic pelvic phalangeal dystrophy; Jeune's syndrome; Chondroectodermal dysplasia-like syndrome. Identifiers: Orphanet 474, MedGen C0265275, MONDO:0018770.

Submission:

Labcorp Genetics (formerly Invitae), Labcorp
Classification: Pathogenic for Jeune thoracic dystrophy. Last evaluated: 2023-02-09. Review status: criteria provided, single submitter. Criteria: Invitae Variant Classification Sherloc (09022015). Collection method: clinical testing. Allele origin: germline.
Comment: For these reasons, this variant has been classified as Pathogenic. This variant has not been reported in the literature in individuals affected with DYNC2H1-related conditions. This variant is not present in population databases (gnomAD no frequency). This sequence change creates a premature translational stop signal (p.Trp538*) in the DYNC2H1 gene. It is expected to result in an absent or disrupted protein product. Loss-of-function variants in DYNC2H1 are known to be pathogenic (PMID: 23339108, 32753734).

Literature cited by the submitters: PubMed 23339108; PubMed 32753734.

NM_001377.3(DYNC2H1):c.1614G>A (p.Trp538Ter)

Gene: DYNC2H1 (dynein cytoplasmic 2 heavy chain 1; plus strand). Cytogenetic location: 11q22.3.
Variant type: single nucleotide variant.
Coding change: c.1614G>A on transcript NM_001377.3 (MANE Select); coding-DNA position 1614, G replaced by A.
Protein change: p.Trp538Ter; replaces tryptophan 538 with a stop codon.
Molecular consequence: nonsense.
Genome position (GRCh38, 1-based): chr11:103,122,953, G>A. VCF-style: chr11-103122953-G-A. GRCh37 (hg19) VCF-style: chr11-102993682-G-A.
Other names: c.1614G>A, p.Trp538Ter (NM_001080463.2); short protein forms W538*.
Identifiers: ClinVar variation 2835941 (VCV002835941.3), dbSNP rs1858795121, ClinGen allele CA382253569.